The following is an entry in ClinVar:

ClinVar aggregate classification (germline): Uncertain significance. Review status: criteria provided, multiple submitters, no conflicts (2 of 4 stars). 3 submissions from 3 submitters: Uncertain significance (3). Last evaluated 2026-09-13.

Conditions:
NPHP3-related Meckel-like syndrome. Also called: GOLDSTON SYNDROME; Meckel syndrome type 7. Identifiers: Orphanet 3032, MedGen C2673885, MONDO:0009966, OMIM 267010.
Renal-hepatic-pancreatic dysplasia 1 (RHPD1). Identifiers: MedGen C3715199, MONDO:0008833, OMIM 208540.
Nephronophthisis 3 (NPHP3). Also called: Adolescent nephronophthisis. Identifiers: Orphanet 655, MedGen C1858392, MONDO:0011456, OMIM 604387.
NPHP3-related disorder. Also called: NPHP3-related condition; NPHP3-related disorders. Identifiers: MedGen CN379163.
Nephronophthisis. Also called: Juvenile Nephronophthisis. Identifiers: Orphanet 655, MedGen C0687120, MONDO:0019005, HP:0000090.

Submissions (3):

PreventionGenetics, part of Exact Sciences
Classification: Uncertain significance for NPHP3-related condition. Last evaluated: 2026-09-13. Review status: criteria provided, single submitter. Criteria: ACMG Guidelines, 2015. Collection method: clinical testing. Allele origin: germline.
Comment: The NPHP3 c.3447_3449dupACA variant is predicted to result in an in-frame duplication (p.Gln1150dup). To our knowledge, this variant has not been reported in the literature. This variant is reported in 0.056% of alleles in individuals of Latino descent in gnomAD. Although we suspect that this variant may be benign, at this time, the clinical significance of this variant is uncertain due to the absence of conclusive functional and genetic evidence.

Labcorp Genetics (formerly Invitae), Labcorp
Classification: Uncertain significance for Nephronophthisis. Last evaluated: 2026-01-24. Review status: criteria provided, single submitter. Criteria: Invitae Variant Classification Sherloc (09022015). Collection method: clinical testing. Allele origin: germline.
Comment: This variant, c.3447_3449dup, results in the insertion of 1 amino acid(s) of the NPHP3 protein (p.Gln1150dup), but otherwise preserves the integrity of the reading frame. The frequency data for this variant in the population databases is considered unreliable, as metrics indicate poor data quality at this position in the gnomAD database. This variant has not been reported in the literature in individuals affected with NPHP3-related conditions. ClinVar contains an entry for this variant (Variation ID: 853203). In summary, the available evidence is currently insufficient to determine the role of this variant in disease. Therefore, it has been classified as a Variant of Uncertain Significance.

Fulgent Genetics
Classification: Uncertain significance for Renal-hepatic-pancreatic dysplasia 1; NPHP3-related Meckel-like syndrome; Nephronophthisis 3. Last evaluated: 2024-02-01. Review status: criteria provided, single submitter. Criteria: ACMG Guidelines, 2015. Collection method: clinical testing. Allele origin: germline.

NM_153240.5(NPHP3):c.3447_3449dup (p.Gln1150dup)

Genes: NPHP3 (nephrocystin 3; minus strand), NPHP3-ACAD11 (NPHP3-ACAD11 readthrough (NMD candidate); minus strand). Cytogenetic location: 3q22.1.
Variant type: Duplication.
Coding change: c.3447_3449dup on transcript NM_153240.5 (MANE Select); coding-DNA positions 3447 to 3449, 3 bases duplicated (ACA; older notation c.3447_3449dupACA).
Protein change: p.Gln1150dup; duplicates glutamine 1150.
Molecular consequence: inframe insertion. On other transcripts: non-coding transcript variant (1).
Genome position (GRCh38, 1-based): chr3:132,684,675-132,684,677, TGT duplicated on the plus strand (ACA on the coding strand, the reverse complement: NPHP3 is on the minus strand); duplicating any 3 consecutive bases within chr3:132,684,675-132,684,678 gives the same sequence; the c. name uses the placement nearest the transcript's 3' end. VCF-style (leftmost placement, unchanged base first): chr3-132684674-C-CTGT. GRCh37 (hg19) VCF-style: chr3-132403518-C-CTGT.
Other names: c.3447_3449dupACA (NM_153240.4).
Identifiers: ClinVar variation 853203 (VCV000853203.10), dbSNP rs779803619, ClinGen allele CA2621744.
Genomic context (GRCh38, chr3:132,684,674, plus strand): 5'-AGCTAATGCACGTCTCCGAATATCTAAAGCTCTTTCATAAAGTTCTTCTGCTTTATCATA[C>CTGT]TGTTTCTTTTCATTGCATAGAGCTGCCAGATTATTCAAAGACTGAGCACAGTCAGGGTGA-3'